The following is an entry in ClinVar:

ClinVar aggregate classification (germline): Likely pathogenic (1 of 4 stars; one submission).

Conditions:
Dilated cardiomyopathy 1G (CMD1G). Identifiers: Orphanet 154, MedGen C1858763, MONDO:0011400, OMIM 604145.
Autosomal recessive limb-girdle muscular dystrophy type 2J (LGMDR10). Also called: Limb-girdle muscular dystrophy, type 2J; MUSCULAR DYSTROPHY, LIMB-GIRDLE, AUTOSOMAL RECESSIVE 10. Identifiers: Orphanet 140922, MedGen C1837342, MONDO:0012127, OMIM 608807.

Submission:

Labcorp Genetics (formerly Invitae), Labcorp
Classification: Likely pathogenic for Dilated cardiomyopathy 1G; Autosomal recessive limb-girdle muscular dystrophy type 2J. Last evaluated: 2024-08-19. Review status: criteria provided, single submitter. Criteria: Invitae Variant Classification Sherloc (09022015). Collection method: clinical testing. Allele origin: germline.
Comment: This sequence change creates a premature translational stop signal (p.Pro30720Leufs*12) in the TTN gene. While this is not anticipated to result in nonsense mediated decay, it is expected to create a truncated TTN protein. This variant is not present in population databases (gnomAD no frequency). This variant has not been reported in the literature in individuals affected with TTN-related conditions. This variant is located in the A band of TTN (PMID: 25589632). Variants in this region may be relevant for cardiac or neuromuscular disorders (PMID: 25589632, 23975875). In summary, the currently available evidence indicates that the variant is pathogenic, but additional data are needed to prove that conclusively. Therefore, this variant has been classified as Likely Pathogenic.

Literature cited by the submitters: PubMed 25589632; PubMed 23975875.

NM_001267550.2(TTN):c.92159del (p.Pro30720fs)

Genes: TTN-AS1 (TTN antisense RNA 1; plus strand), TTN (titin; minus strand). Cytogenetic location: 2q31.2.
Variant type: Deletion.
Coding change: c.92159del on transcript NM_001267550.2 (MANE Select); coding-DNA position 92159, one base deleted (C; older notation c.92159delC).
Protein change: p.Pro30720fs; shifts the reading frame from proline 30720.
Molecular consequence: frameshift variant.
Genome position (GRCh38, 1-based): chr2:178,549,467, G deleted on the plus strand (C on the coding strand, the reverse complement: TTN is on the minus strand); the first of 2 consecutive G bases (chr2:178,549,467-178,549,468); deleting either gives the same sequence. VCF-style (leftmost placement, unchanged base first): chr2-178549466-AG-A. GRCh37 (hg19) VCF-style: chr2-179414193-AG-A.
Other names: c.87236del, p.Pro29079fs (NM_001256850.1); c.64964del, p.Pro21655fs (NM_003319.4); c.84455del, p.Pro28152fs (NM_133378.4); c.65339del, p.Pro21780fs (NM_133432.3); c.65540del, p.Pro21847fs (NM_133437.4); short protein forms P21655fs, P21780fs, P21847fs, P28152fs, P29079fs, P30720fs.
Identifiers: ClinVar variation 3755368 (VCV003755368.2).
Genomic context (GRCh38, chr2:178,549,466, plus strand): 5'-CCATGTCAGGGTAATGCTGTTGCCTGTTATGTTGCTAGGTTCTGGAATGCCAGGGGCATC[AG>A]GAACAGCTGTAAAACAAAAACAAAACCCCAAATCAATTAGATGCATTTGCTTGGAAGGTT-3'